The following is an entry in ClinVar:

ClinVar aggregate classification (germline): Uncertain significance (1 of 4 stars; one submission).

Conditions:
Carnitine palmitoyl transferase 1A deficiency. Also called: CPT I DEFICIENCY; CPT DEFICIENCY, HEPATIC, TYPE I; Carnitine palmitoyltransferase type I deficiency; CPT deficiency, hepatic, type IA; Carnitine palmitoyltransferase 1A deficiency. Identifiers: Orphanet 156, MedGen C1829703, MONDO:0009705, OMIM 255120.

Allele frequency attached by ClinVar (database versions not stated): gnomAD 0.00001; gnomAD exomes 0.00002; TOPMed 0.00003; ExAC 0.00009.
gnomAD v4.1: 29 of 1,614,080 alleles (0.0018%); highest among the groups gnomAD compares: Admixed American, 0.03%; no homozygotes.

Submission:

Labcorp Genetics (formerly Invitae), Labcorp
Classification: Uncertain significance for Carnitine palmitoyl transferase 1A deficiency. Last evaluated: 2022-06-17. Review status: criteria provided, single submitter. Criteria: Invitae Variant Classification Sherloc (09022015). Collection method: clinical testing. Allele origin: germline.
Comment: This sequence change replaces cysteine, which is neutral and slightly polar, with serine, which is neutral and polar, at codon 562 of the CPT1A protein (p.Cys562Ser). This variant is present in population databases (rs777226313, gnomAD 0.04%). This variant has not been reported in the literature in individuals affected with CPT1A-related conditions. Algorithms developed to predict the effect of missense changes on protein structure and function output the following: SIFT: "Tolerated"; PolyPhen-2: "Benign"; Align-GVGD: "Class C0". The serine amino acid residue is found in multiple mammalian species, which suggests that this missense change does not adversely affect protein function. In summary, the available evidence is currently insufficient to determine the role of this variant in disease. Therefore, it has been classified as a Variant of Uncertain Significance.

NM_001876.4(CPT1A):c.1685G>C (p.Cys562Ser)

Gene: CPT1A (carnitine palmitoyltransferase 1A; minus strand). Cytogenetic location: 11q13.3.
Variant type: single nucleotide variant.
Coding change: c.1685G>C on transcript NM_001876.4 (MANE Select); coding-DNA position 1685, G replaced by C.
Protein change: p.Cys562Ser; replaces cysteine 562 with serine.
Molecular consequence: missense variant.
Genome position (GRCh38, 1-based): chr11:68,773,320, C>G on the plus strand (G>C on the coding strand, the complement: CPT1A is on the minus strand). VCF-style: chr11-68773320-C-G. GRCh37 (hg19) VCF-style: chr11-68540788-C-G.
Other names: c.1685G>C, p.Cys562Ser (NM_001031847.3); short protein forms C562S.
Identifiers: ClinVar variation 2049330 (VCV002049330.1), dbSNP rs777226313, ClinGen allele CA6152243.